The following is an entry in ClinVar:

NM_002335.4(LRP5):c.2828-6C>A

Gene: LRP5 (LDL receptor related protein 5; plus strand). Cytogenetic location: 11q13.2.
Variant type: single nucleotide variant.
Coding change: c.2828-6C>A on transcript NM_002335.4 (MANE Select); 6 bases into the intron before coding-DNA position 2828, C replaced by A.
Molecular consequence: intron variant.
Genome position (GRCh38, 1-based): chr11:68,416,322, C>A. VCF-style: chr11-68416322-C-A. GRCh37 (hg19) VCF-style: chr11-68183790-C-A.
Other names: c.1085-6C>A (NM_001291902.2).
Identifiers: ClinVar variation 1370095 (VCV001370095.6), dbSNP rs2153169238, ClinGen allele CA2573147540.
Genomic context (GRCh38, chr11:68,416,322, plus strand): 5'-TCCCGTCCTCCAGCTCCTCTGTGGCTTACAGACACCCACCTGCAGCCCTGTCTTTGCCTC[C>A]TCTAGCGCCCACCACCTTCTTGCTGTTCAGCCAGAAATCTGCCATCAGTCGGATGATCCC-3'

ClinVar aggregate classification (germline): Uncertain significance (1 of 4 stars; one submission).

Submission:

Labcorp Genetics (formerly Invitae), Labcorp
Classification: Uncertain significance. Last evaluated: 2022-06-13. Review status: criteria provided, single submitter. Criteria: Invitae Variant Classification Sherloc (09022015). Collection method: clinical testing. Allele origin: germline.
Comment: In summary, the available evidence is currently insufficient to determine the role of this variant in disease. Therefore, it has been classified as a Variant of Uncertain Significance. Algorithms developed to predict the effect of sequence changes on RNA splicing suggest that this variant may create or strengthen a splice site. This variant has not been reported in the literature in individuals affected with LRP5-related conditions. This variant is not present in population databases (gnomAD no frequency). This sequence change falls in intron 12 of the LRP5 gene. It does not directly change the encoded amino acid sequence of the LRP5 protein.